The following is an entry in ClinVar:

NM_183357.3(ADCY5):c.2655C>T (p.Ala885=)

Gene: ADCY5 (adenylate cyclase 5; minus strand). Cytogenetic location: 3q21.1.
Variant type: single nucleotide variant.
Coding change: c.2655C>T on transcript NM_183357.3 (MANE Select); coding-DNA position 2655, C replaced by T.
Protein change: p.Ala885=; no amino-acid change (alanine 885 retained).
Molecular consequence: synonymous variant.
Genome position (GRCh38, 1-based): chr3:123,303,124, G>A on the plus strand (C>T on the coding strand, the complement: ADCY5 is on the minus strand). VCF-style: chr3-123303124-G-A. GRCh37 (hg19) VCF-style: chr3-123021971-G-A.
Other names: c.1605C>T, p.Ala535= (NM_001199642.1); c.2655C>T, p.Ala885= (NM_001378259.1).
Identifiers: ClinVar variation 1579079 (VCV001579079.14), dbSNP rs376472428, ClinGen allele CA2577034.

ClinVar aggregate classification (germline): Likely benign. Review status: criteria provided, multiple submitters, no conflicts (2 of 4 stars). 2 submissions from 2 submitters: Likely benign (2). Last evaluated 2025-11-01.

Allele frequency attached by ClinVar (database versions not stated): ExAC 0.00003; gnomAD exomes 0.00005; TOPMed 0.00009; gnomAD 0.00011; ESP Exome Variant Server 0.00015.
gnomAD v4.1: 96 of 1,613,738 alleles (0.0059%); highest among the groups gnomAD compares: East Asian, 0.0089%; no homozygotes.

Submissions (2):

CeGaT Center for Human Genetics Tuebingen
Classification: Likely benign. Last evaluated: 2025-11-01. Review status: criteria provided, single submitter. Criteria: CeGaT Center For Human Genetics Tuebingen Variant Classification Criteria Version 2. Collection method: clinical testing. Allele origin: germline. Affected: yes. Observed: 1 variant allele.
Comment: ADCY5: BP4, BP7

Labcorp Genetics (formerly Invitae), Labcorp
Classification: Likely benign. Last evaluated: 2022-07-12. Review status: criteria provided, single submitter. Criteria: Invitae Variant Classification Sherloc (09022015). Collection method: clinical testing. Allele origin: germline.